The following is an entry in ClinVar:

ClinVar aggregate classification (germline): Likely benign. Review status: criteria provided, multiple submitters, no conflicts (2 of 4 stars). 3 submissions from 3 submitters: Likely benign (3). Last evaluated 2024-11-26.

Conditions:
Combined oxidative phosphorylation defect type 14. Also called: Combined oxidative phosphorylation deficiency 14. Identifiers: Orphanet 319519, MedGen C4755312, MONDO:0013986, OMIM 614946.

Allele frequency attached by ClinVar (database versions not stated): gnomAD exomes 0.00001.
gnomAD v4.1: 10 of 1,614,166 alleles (0.00062%); highest among the groups gnomAD compares: Non-Finnish European, 0.00076%; no homozygotes.

Submissions (3):

Labcorp Genetics (formerly Invitae), Labcorp
Classification: Likely benign for Combined oxidative phosphorylation defect type 14. Last evaluated: 2024-11-26. Review status: criteria provided, single submitter. Criteria: Invitae Variant Classification Sherloc (09022015). Collection method: clinical testing. Allele origin: germline.

Wong Mito Lab, Molecular and Human Genetics, Baylor College of Medicine
Classification: Likely benign for Combined oxidative phosphorylation deficiency 14. Last evaluated: 2018-06-13. Review status: criteria provided, single submitter. Criteria: ACMG Guidelines, 2015. Collection method: clinical testing. Allele origin: germline.

GeneDx
Classification: Likely benign. Last evaluated: 2017-03-31. Review status: criteria provided, single submitter. Criteria: GeneDx Variant Classification (06012015). Collection method: clinical testing. Allele origin: germline. Affected: yes.
Comment: This variant is considered likely benign or benign based on one or more of the following criteria: it is a conservative change, it occurs at a poorly conserved position in the protein, it is predicted to be benign by multiple in silico algorithms, and/or has population frequency not consistent with disease.

NM_006567.5(FARS2):c.354A>G (p.Pro118=)

Genes: FARS2 (phenylalanyl-tRNA synthetase 2, mitochondrial; plus strand), LOC126859565 (CDK7 strongly-dependent group 2 enhancer GRCh37_chr6:5368745-5369944; plus strand). Cytogenetic location: 6p25.1.
Variant type: single nucleotide variant.
Coding change: c.354A>G on transcript NM_006567.5 (MANE Select); coding-DNA position 354, A replaced by G.
Protein change: p.Pro118=; no amino-acid change (proline 118 retained).
Molecular consequence: synonymous variant. On other transcripts: intron variant (2).
Genome position (GRCh38, 1-based): chr6:5,368,924, A>G. VCF-style: chr6-5368924-A-G. GRCh37 (hg19) VCF-style: chr6-5369157-A-G.
Other names: c.354A>G, p.Pro118= (NM_001318872.2, NM_001374875.1, NM_001374876.1 and 5 more transcripts); c.-340-27709A>G (NM_001375260.1); c.-84-35618A>G (NM_001375259.1).
Identifiers: ClinVar variation 516063 (VCV000516063.10), dbSNP rs1554169338, ClinGen allele CA448721049.